The following is an entry in ClinVar:

ClinVar aggregate classification (germline): Uncertain significance. Review status: criteria provided, multiple submitters, no conflicts (2 of 4 stars). 4 submissions from 4 submitters: Uncertain significance (4). Last evaluated 2025-02-06.

Conditions:
Hereditary cancer-predisposing syndrome. Also called: Hereditary neoplastic syndrome; Tumor predisposition; Neoplastic Syndromes, Hereditary; Hereditary Cancer Syndrome. Identifiers: Orphanet 140162, MedGen C0027672, MeSH D009386, MONDO:0015356.
Hereditary nonpolyposis colorectal neoplasms. Identifiers: MedGen C0009405, MeSH D003123.
Endometrial carcinoma. Also called: Endometrial carcinoma, somatic. Identifiers: MedGen C0476089, MONDO:0002447, OMIM 608089, HP:0012114.

Allele frequency attached by ClinVar (database versions not stated): TOPMed below 0.00001.

Submissions (4):

Ambry Genetics
Classification: Uncertain significance for Hereditary cancer-predisposing syndrome. Last evaluated: 2025-02-06. Review status: criteria provided, single submitter. Criteria: Ambry Variant Classification Scheme 2023. Collection method: clinical testing. Allele origin: germline.
Comment: The p.V263L variant (also known as c.787G>C), located in coding exon 4 of the MSH6 gene, results from a G to C substitution at nucleotide position 787. The valine at codon 263 is replaced by leucine, an amino acid with highly similar properties. This amino acid position is conserved. In addition, the in silico prediction for this alteration is inconclusive. Based on the available evidence, the clinical significance of this variant remains unclear.

Labcorp Genetics (formerly Invitae), Labcorp
Classification: Uncertain significance for Hereditary nonpolyposis colorectal neoplasms. Last evaluated: 2024-08-11. Review status: criteria provided, single submitter. Criteria: Invitae Variant Classification Sherloc (09022015). Collection method: clinical testing. Allele origin: germline.
Comment: This sequence change replaces valine, which is neutral and non-polar, with leucine, which is neutral and non-polar, at codon 263 of the MSH6 protein (p.Val263Leu). This variant is not present in population databases (gnomAD no frequency). This variant has not been reported in the literature in individuals affected with MSH6-related conditions. ClinVar contains an entry for this variant (Variation ID: 419819). Advanced modeling of protein sequence and biophysical properties (such as structural, functional, and spatial information, amino acid conservation, physicochemical variation, residue mobility, and thermodynamic stability) performed at Invitae indicates that this missense variant is not expected to disrupt MSH6 protein function with a negative predictive value of 95%. In summary, the available evidence is currently insufficient to determine the role of this variant in disease. Therefore, it has been classified as a Variant of Uncertain Significance.

Baylor Genetics
Classification: Uncertain significance for Endometrial carcinoma. Last evaluated: 2024-03-08. Review status: criteria provided, single submitter. Criteria: ACMG Guidelines, 2015. Collection method: clinical testing. Allele origin: unknown.

GeneDx
Classification: Uncertain significance. Last evaluated: 2015-09-09. Review status: criteria provided, single submitter. Criteria: GeneDx Variant Classification (06012015). Collection method: clinical testing. Allele origin: germline. Affected: yes.
Comment: This variant is denoted MSH6 c.787G>C at the cDNA level, p.Val263Leu (V263L) at the protein level, and results in the change of a Valine to a Leucine (GTG>CTG). This variant has not, to our knowledge, been published in the literature as pathogenic or benign. MSH6 Val263Leu was not observed in approximately 6,500 individuals of European and African American ancestry in the NHLBI Exome Sequencing Project, indicating it is not a common benign variant in these populations. Since Valine and Leucine share similar properties, this is considered a conservative amino acid substitution. MSH6 Val263Leu occurs at a position that is conserved in mammals and is not located in a known functional domain (Kariola 2002, Terui 2013, UniProt). In silico analyses are inconsistent regarding the effect this variant may have on protein structure and function. Based on currently available information, it is unclear whether MSH6 Val263Leu is pathogenic or benign. We consider it to be a variant of uncertain significance.

NM_000179.3(MSH6):c.787G>C (p.Val263Leu)

Gene: MSH6 (mutS homolog 6; plus strand). Cytogenetic location: 2p16.3.
Variant type: single nucleotide variant.
Coding change: c.787G>C on transcript NM_000179.3 (MANE Select); coding-DNA position 787, G replaced by C.
Protein change: p.Val263Leu; replaces valine 263 with leucine.
Molecular consequence: missense variant. On other transcripts: 5 prime UTR variant (2).
Genome position (GRCh38, 1-based): chr2:47,798,770, G>C. VCF-style: chr2-47798770-G-C. GRCh37 (hg19) VCF-style: chr2-48025909-G-C.
Other names: c.397G>C, p.Val133Leu (NM_001281492.2); c.-120G>C (NM_001281493.2, NM_001281494.2); short protein forms V263L, V133L.
Identifiers: ClinVar variation 419819 (VCV000419819.15), dbSNP rs1064794127, ClinGen allele CA16617635.